The following is an entry in ClinVar:

ClinVar aggregate classification (germline): Likely benign. Review status: criteria provided, single submitter (1 of 4 stars). 2 submissions from 2 submitters: Likely benign (1). 1 of the submissions does not count toward it. Last evaluated 2025-01-26.

Conditions:
Hereditary sensory neuropathy-deafness-dementia syndrome. Also called: NEUROPATHY, HEREDITARY SENSORY, WITH HEARING LOSS AND DEMENTIA; HSN IE; Hereditary Sensory and Autonomic Neuropathy Type 1E (HSAN1E); Hereditary sensory neuropathy type IE. Identifiers: Orphanet 456318, MedGen C3279885, MONDO:0013584, OMIM 614116.
DNMT1-related disorder. Also called: DNMT1-related condition. Identifiers: MedGen CN381527.

Allele frequency attached by ClinVar (database versions not stated): gnomAD 0.00001; gnomAD exomes 0.00001 and 0.00002; TOPMed 0.00002.
gnomAD v4.1: 38 of 1,612,474 alleles (0.0024%); highest among the groups gnomAD compares: Admixed American, 0.0033%; no homozygotes.

Submissions (2):

Labcorp Genetics (formerly Invitae), Labcorp
Classification: Likely benign for Hereditary sensory neuropathy-deafness-dementia syndrome. Last evaluated: 2025-01-26. Review status: criteria provided, single submitter. Criteria: Invitae Variant Classification Sherloc (09022015). Collection method: clinical testing. Allele origin: germline.

PreventionGenetics, part of Exact Sciences
Classification: Likely benign for DNMT1-related condition. Last evaluated: 2019-08-15. Review status: no assertion criteria provided. Collection method: clinical testing. Allele origin: germline. Not counted in ClinVar's aggregate classification.
Comment: This variant is classified as likely benign based on ACMG/AMP sequence variant interpretation guidelines (Richards et al. 2015 PMID: 25741868, with internal and published modifications).

NM_001130823.3(DNMT1):c.4194G>A (p.Ser1398=)

Gene: DNMT1 (DNA methyltransferase 1; minus strand). Cytogenetic location: 19p13.2.
Variant type: single nucleotide variant.
Coding change: c.4194G>A on transcript NM_001130823.3 (MANE Select); coding-DNA position 4194, G replaced by A.
Protein change: p.Ser1398=; no amino-acid change (serine 1398 retained).
Molecular consequence: synonymous variant.
Genome position (GRCh38, 1-based): chr19:10,137,931, C>T on the plus strand (G>A on the coding strand, the complement: DNMT1 is on the minus strand). VCF-style: chr19-10137931-C-T. GRCh37 (hg19) VCF-style: chr19-10248607-C-T.
Other names: c.4146G>A, p.Ser1382= (NM_001318730.2, NM_001379.4); c.3831G>A, p.Ser1277= (NM_001318731.2); c.4194G>A (NM_001130823.2).
Identifiers: ClinVar variation 1657035 (VCV001657035.10), dbSNP rs1428169433, ClinGen allele CA505378663.